The following is an entry in ClinVar:

NM_001330677.2(TBX15):c.1580G>C (p.Arg527Thr)

Gene: TBX15 (T-box transcription factor 15; minus strand). Cytogenetic location: 1p12.
Variant type: single nucleotide variant.
Coding change: c.1580G>C on transcript NM_001330677.2 (MANE Select); coding-DNA position 1580, G replaced by C.
Protein change: p.Arg527Thr; replaces arginine 527 with threonine.
Molecular consequence: missense variant.
Genome position (GRCh38, 1-based): chr1:118,884,961, C>G on the plus strand (G>C on the coding strand, the complement: TBX15 is on the minus strand). VCF-style: chr1-118884961-C-G. GRCh37 (hg19) VCF-style: chr1-119427584-C-G.
Other names: c.1262G>C, p.Arg421Thr (NM_152380.3); short protein forms R421T, R527T.
Identifiers: ClinVar variation 1368140 (VCV001368140.6), dbSNP rs2101419245, ClinGen allele CA341432210.

ClinVar aggregate classification (germline): Uncertain significance (1 of 4 stars; one submission).

Allele frequency attached by ClinVar (database versions not stated): gnomAD exomes below 0.00001.
gnomAD v4.1: 1 of 1,614,082 alleles (0.000062%); highest among the groups gnomAD compares: Non-Finnish European, 0.000085%; no homozygotes.

Submission:

Labcorp Genetics (formerly Invitae), Labcorp
Classification: Uncertain significance. Last evaluated: 2021-11-27. Review status: criteria provided, single submitter. Criteria: Invitae Variant Classification Sherloc (09022015). Collection method: clinical testing. Allele origin: germline.
Comment: In summary, the available evidence is currently insufficient to determine the role of this variant in disease. Therefore, it has been classified as a Variant of Uncertain Significance. This sequence change replaces arginine, which is basic and polar, with threonine, which is neutral and polar, at codon 421 of the TBX15 protein (p.Arg421Thr). This variant is not present in population databases (gnomAD no frequency). This variant has not been reported in the literature in individuals affected with TBX15-related conditions. Algorithms developed to predict the effect of missense changes on protein structure and function are either unavailable or do not agree on the potential impact of this missense change (SIFT: "Deleterious"; PolyPhen-2: "Probably Damaging"; Align-GVGD: "Class C0").